The following is an entry in ClinVar:

NM_015272.5(RPGRIP1L):c.992T>C (p.Leu331Ser)

Gene: RPGRIP1L (RPGRIP1 like; minus strand). Cytogenetic location: 16q12.2.
Variant type: single nucleotide variant.
Coding change: c.992T>C on transcript NM_015272.5 (MANE Select); coding-DNA position 992, T replaced by C.
Protein change: p.Leu331Ser; replaces leucine 331 with serine.
Molecular consequence: missense variant.
Genome position (GRCh38, 1-based): chr16:53,672,907, A>G on the plus strand (T>C on the coding strand, the complement: RPGRIP1L is on the minus strand). VCF-style: chr16-53672907-A-G. GRCh37 (hg19) VCF-style: chr16-53706819-A-G.
Other names: c.992T>C, p.Leu331Ser (NM_001127897.4, NM_001308334.3, NM_001330538.2); c.992T>C (NM_015272.2, NM_015272.4); short protein forms L331S.
Identifiers: ClinVar variation 2143294 (VCV002143294.4), dbSNP rs1225415393, ClinGen allele CA395922806.

ClinVar aggregate classification (germline): Uncertain significance. Review status: criteria provided, multiple submitters, no conflicts (2 of 4 stars). 3 submissions from 3 submitters: Uncertain significance (3). Last evaluated 2026-01-29.

Conditions:
RPGRIP1L-related disorder. Also called: RPGRIP1L-related condition; RPGRIP1L-related disorders. Identifiers: MedGen CN239416.
Inborn genetic diseases. Identifiers: MedGen C0950123, MeSH D030342.
Joubert syndrome. Also called: JOUBERT-BOLTSHAUSER SYNDROME; Familial aplasia of the vermis. Identifiers: Orphanet 475, MedGen C5979921, MONDO:0018772.
Meckel-Gruber syndrome. Also called: DYSENCEPHALIA SPLANCHNOCYSTICA; GRUBER SYNDROME; Dysencephalia splachnocystica. Identifiers: Orphanet 564, MedGen C0265215, MONDO:0018921.

Allele frequency attached by ClinVar (database versions not stated): gnomAD exomes 0.00001.
gnomAD v4.1: 10 of 1,613,130 alleles (0.00062%); highest among the groups gnomAD compares: Non-Finnish European, 0.00076%; no homozygotes.

Submissions (3):

PreventionGenetics, part of Exact Sciences
Classification: Uncertain significance for RPGRIP1L-related condition. Last evaluated: 2026-01-29. Review status: criteria provided, single submitter. Criteria: ACMG Guidelines, 2015. Collection method: clinical testing. Allele origin: germline.
Comment: The RPGRIP1L c.992T>C variant is predicted to result in the amino acid substitution p.Leu331Ser. To our knowledge, this variant has not been reported in the literature. This variant is reported in 0.00088% of alleles in individuals of European (Non-Finnish) descent in gnomAD. At this time, the clinical significance of this variant is uncertain due to the absence of conclusive functional and genetic evidence.

Ambry Genetics
Classification: Uncertain significance for Inborn genetic diseases. Last evaluated: 2023-02-15. Review status: criteria provided, single submitter. Criteria: Ambry Variant Classification Scheme 2023. Collection method: clinical testing. Allele origin: germline.

Labcorp Genetics (formerly Invitae), Labcorp
Classification: Uncertain significance for Joubert syndrome; Meckel-Gruber syndrome. Last evaluated: 2022-07-19. Review status: criteria provided, single submitter. Criteria: Invitae Variant Classification Sherloc (09022015). Collection method: clinical testing. Allele origin: germline.
Comment: This sequence change replaces leucine, which is neutral and non-polar, with serine, which is neutral and polar, at codon 331 of the RPGRIP1L protein (p.Leu331Ser). This variant is present in population databases (no rsID available, gnomAD 0.0009%). This variant has not been reported in the literature in individuals affected with RPGRIP1L-related conditions. Algorithms developed to predict the effect of missense changes on protein structure and function (SIFT, PolyPhen-2, Align-GVGD) all suggest that this variant is likely to be disruptive. In summary, the available evidence is currently insufficient to determine the role of this variant in disease. Therefore, it has been classified as a Variant of Uncertain Significance.